The following is an entry in ClinVar:

ClinVar aggregate classification (germline): Likely pathogenic (1 of 4 stars; one submission).

Submission:

Labcorp Genetics (formerly Invitae), Labcorp
Classification: Likely pathogenic. Last evaluated: 2024-07-26. Review status: criteria provided, single submitter. Criteria: Invitae Variant Classification Sherloc (09022015). Collection method: clinical testing. Allele origin: germline.
Comment: This sequence change falls in intron 14 of the PHEX gene. It does not directly change the encoded amino acid sequence of the PHEX protein. It affects a nucleotide within the consensus splice site. This variant is not present in population databases (gnomAD no frequency). This variant has been observed in individuals with clinical features of X-linked hypophosphatemia (Invitae). ClinVar contains an entry for this variant (Variation ID: 2115383). Variants that disrupt the consensus splice site are a relatively common cause of aberrant splicing (PMID: 17576681, 9536098). Algorithms developed to predict the effect of sequence changes on RNA splicing suggest that this variant may disrupt the consensus splice site. This variant disrupts the c.1586+5G nucleotide in the PHEX gene. Other variant(s) that disrupt this nucleotide have been determined to be pathogenic (Invitae). This suggests that this nucleotide is clinically significant, and that variants that disrupt this position are likely to be disease-causing. In summary, the currently available evidence indicates that the variant is pathogenic, but additional data are needed to prove that conclusively. Therefore, this variant has been classified as Likely Pathogenic.

Literature cited by the submitters: PubMed 17576681; PubMed 9536098.

NM_000444.6(PHEX):c.1586+5G>C

Gene: PHEX (phosphate regulating endopeptidase X-linked; plus strand). Cytogenetic location: Xp22.11.
Variant type: single nucleotide variant.
Coding change: c.1586+5G>C on transcript NM_000444.6 (MANE Select); 5 bases into the intron after coding-DNA position 1586, G replaced by C.
Molecular consequence: intron variant.
Genome position (GRCh38, 1-based): chrX:22,178,381, G>C. VCF-style: chrX-22178381-G-C. GRCh37 (hg19) VCF-style: chrX-22196498-G-C.
Other names: c.1586+5G>C (NM_001282754.2).
Identifiers: ClinVar variation 2115383 (VCV002115383.4), dbSNP rs1602363550, ClinGen allele CA2580100480.
Genomic context (GRCh38, chrX:22,178,381, plus strand): 5'-AAGTATTTAGCACAGTCTGATTTCTTCTGGCTAAGAAAAGCCGTTCCAAAAACAGAGTGA[G>C]TATTAAACAAAAAAAGTTAAATAGATAAATACATTGGTGAGAAGCGGAGTCTCTTTAGAT-3'